The following is an entry in ClinVar:

NM_206965.2(FTCD):c.274C>T (p.Pro92Ser)

Gene: FTCD (formimidoyltransferase cyclodeaminase; minus strand). Cytogenetic location: 21q22.3.
Variant type: single nucleotide variant.
Coding change: c.274C>T on transcript NM_206965.2 (MANE Select); coding-DNA position 274, C replaced by T.
Protein change: p.Pro92Ser; replaces proline 92 with serine.
Molecular consequence: missense variant.
Genome position (GRCh38, 1-based): chr21:46,153,000, G>A on the plus strand (C>T on the coding strand, the complement: FTCD is on the minus strand). VCF-style: chr21-46153000-G-A. GRCh37 (hg19) VCF-style: chr21-47572914-G-A.
Other names: c.274C>T, p.Pro92Ser (NM_001320412.2, NM_006657.3); c.274C>T (NM_006657.2); short protein forms P92S.
Identifiers: ClinVar variation 282695 (VCV000282695.14), dbSNP rs749149640, ClinGen allele CA10073984.

ClinVar aggregate classification (germline): Uncertain significance. Review status: criteria provided, multiple submitters, no conflicts (2 of 4 stars). 3 submissions from 3 submitters: Uncertain significance (3). Last evaluated 2025-09-11.

Conditions:
Inborn genetic diseases. Identifiers: MedGen C0950123, MeSH D030342.
Glutamate formiminotransferase deficiency. Also called: Formiminoglutamic aciduria; Arakawa syndrome 1. Identifiers: Orphanet 51208, MedGen C0268609, MONDO:0009240, OMIM 229100.

Allele frequency attached by ClinVar (database versions not stated): gnomAD 0.00001; gnomAD exomes 0.00001 and 0.00004; TOPMed 0.00001; ExAC 0.00006.

Submissions (3):

Ambry Genetics
Classification: Uncertain significance for Inborn genetic diseases. Last evaluated: 2025-09-11. Review status: criteria provided, single submitter. Criteria: Ambry Variant Classification Scheme 2023. Collection method: clinical testing. Allele origin: germline.

Labcorp Genetics (formerly Invitae), Labcorp
Classification: Uncertain significance for Glutamate formiminotransferase deficiency. Last evaluated: 2020-08-27. Review status: criteria provided, single submitter. Criteria: Invitae Variant Classification Sherloc (09022015). Collection method: clinical testing. Allele origin: germline.
Comment: In summary, the available evidence is currently insufficient to determine the role of this variant in disease. Therefore, it has been classified as a Variant of Uncertain Significance. Algorithms developed to predict the effect of missense changes on protein structure and function (SIFT, PolyPhen-2, Align-GVGD) all suggest that this variant is likely to be disruptive, but these predictions have not been confirmed by published functional studies and their clinical significance is uncertain. This variant has not been reported in the literature in individuals with FTCD-related conditions. ClinVar contains an entry for this variant (Variation ID: 282695). This variant is present in population databases (rs749149640, ExAC 0.07%). This sequence change replaces proline with serine at codon 92 of the FTCD protein (p.Pro92Ser). The proline residue is highly conserved and there is a moderate physicochemical difference between proline and serine.

Eurofins Ntd Llc (ga)
Classification: Uncertain significance. Last evaluated: 2015-08-17. Review status: criteria provided, single submitter. Criteria: EGL Classification Definitions 2015. Collection method: clinical testing. Allele origin: germline. Observed: 1 variant allele, 1 heterozygote.